The following is an entry in ClinVar:

NM_145200.5(CABP4):c.*119T>G

Gene: CABP4 (calcium binding protein 4; plus strand). Cytogenetic location: 11q13.2.
Variant type: single nucleotide variant.
Coding change: c.*119T>G on transcript NM_145200.5 (MANE Select); 119 bases downstream of the stop codon, T replaced by G.
Molecular consequence: 3 prime UTR variant. On other transcripts: non-coding transcript variant (1).
Genome position (GRCh38, 1-based): chr11:67,458,778, T>G. VCF-style: chr11-67458778-T-G. GRCh37 (hg19) VCF-style: chr11-67226249-T-G.
Other names: c.*119T>G (NM_001300895.3, NM_001300896.3, NM_001379183.1).
Identifiers: ClinVar variation 305663 (VCV000305663.7), dbSNP rs1790736, ClinGen allele CA10639175.

ClinVar aggregate classification (germline): Benign. Review status: criteria provided, multiple submitters, no conflicts (2 of 4 stars). 3 submissions from 3 submitters: Benign (3). Last evaluated 2018-07-05.

Conditions:
Cone-rod synaptic disorder, congenital nonprogressive. Also called: NIGHT BLINDNESS, CONGENITAL STATIONARY, INCOMPLETE, AUTOSOMAL RECESSIVE. Identifiers: Orphanet 215, MedGen C4041558, MONDO:0012490, OMIM 610427.

Allele frequency attached by ClinVar (database versions not stated): gnomAD 0.11735 and 0.12627; 1000 Genomes Project 0.12500; TOPMed 0.13062; 1000 Genomes Project 30x 0.13757.

Submissions (3):

GeneDx
Classification: Benign. Last evaluated: 2018-07-05. Review status: criteria provided, single submitter. Criteria: GeneDx Variant Classification Process June 2021. Collection method: clinical testing. Allele origin: germline. Affected: yes.

Illumina Laboratory Services, Illumina
Classification: Benign for Cone-rod synaptic disorder, congenital nonprogressive. Last evaluated: 2018-01-13. Review status: criteria provided, single submitter. Criteria: ICSL Variant Classification Criteria 13 December 2019. Collection method: clinical testing. Allele origin: germline.
Comment: This variant was observed in the ICSL laboratory as part of a predisposition screen in an ostensibly healthy population. It had not been previously curated by ICSL or reported in the Human Gene Mutation Database (HGMD: prior to June 1st, 2018), and was therefore a candidate for classification through an automated scoring system. Utilizing variant allele frequency, disease prevalence and penetrance estimates, and inheritance mode, an automated score was calculated to assess if this variant is too frequent to cause the disease. Based on the score and internal cut-off values, a variant classified as benign is not then subjected to further curation. The score for this variant resulted in a classification of benign for this disease.

Breakthrough Genomics
Classification: Benign. Review status: criteria provided, single submitter. Criteria: ACMG Guidelines, 2015. Collection method: not provided. Allele origin: germline. Inheritance: Autosomal recessive inheritance. Affected: yes.